The following is an entry in ClinVar:

NM_000368.5(TSC1):c.3376_3377dup (p.Glu1128fs)

Gene: TSC1 (TSC complex subunit 1; minus strand). Cytogenetic location: 9q34.13.
Variant type: Duplication.
Coding change: c.3376_3377dup on transcript NM_000368.5 (MANE Select); coding-DNA positions 3376 to 3377, 2 bases duplicated (GG; older notation c.3376_3377dupGG).
Protein change: p.Glu1128fs; shifts the reading frame from glutamic acid 1128.
Molecular consequence: frameshift variant.
Genome position (GRCh38, 1-based): chr9:132,896,353-132,896,354, CC duplicated on the plus strand (GG on the coding strand, the reverse complement: TSC1 is on the minus strand); duplicating any 2 consecutive bases within chr9:132,896,353-132,896,355 gives the same sequence; the c. name uses the placement nearest the transcript's 3' end. VCF-style (leftmost placement, unchanged base first): chr9-132896352-A-ACC. GRCh37 (hg19) VCF-style: chr9-135771739-A-ACC.
Other names: c.3373_3374dup, p.Glu1127fs (NM_001162426.2); c.3223_3224dup, p.Glu1077fs (NM_001162427.2); c.3013_3014dup, p.Glu1007fs (NM_001362177.2); short protein forms E1007fs, E1077fs, E1127fs, E1128fs.
Identifiers: ClinVar variation 965954 (VCV000965954.7), dbSNP rs1845038227, ClinGen allele CA1139659369.
Genomic context (GRCh38, chr9:132,896,352, plus strand): 5'-GTCCGGGGTCGGGGGAGACGGGTGAGGGCCATCTAGGTTCAGGGGAATCTTGGCTTCCAC[A>ACC]CCCAAGTCTTTGCCCAGTTCTGTCTTTAGGCTCTCAGAAAGGCTACTGGTCATGCCGTCC-3'

ClinVar aggregate classification (germline): Uncertain significance (1 of 4 stars; one submission).

Conditions:
Tuberous sclerosis 1 (TSC1). Identifiers: Orphanet 805, MedGen C1854465, MONDO:0008612, OMIM 191100.

Submission:

Labcorp Genetics (formerly Invitae), Labcorp
Classification: Uncertain significance for Tuberous sclerosis 1. Last evaluated: 2019-10-27. Review status: criteria provided, single submitter. Criteria: Invitae Variant Classification Sherloc (09022015). Collection method: clinical testing. Allele origin: germline.
Comment: In summary, the available evidence is currently insufficient to determine the role of this variant in disease. Therefore, it has been classified as a Variant of Uncertain Significance. Algorithms developed to predict the effect of sequence changes on RNA splicing suggest that this variant may create or strengthen a splice site, but this prediction has not been confirmed by published transcriptional studies. This variant has not been reported in the literature in individuals with TSC1-related conditions. This variant is not present in population databases (ExAC no frequency). This sequence change results in a premature translational stop signal in the TSC1 gene (p.Glu1128Trpfs*7). While this is not anticipated to result in nonsense mediated decay, it is expected to disrupt the last 37 amino acids of the TSC1 protein.